The following is an entry in ClinVar:

ClinVar aggregate classification (germline): Likely pathogenic (1 of 4 stars; one submission).

Conditions:
Familial cancer of breast. Also called: Hereditary breast cancer; BREAST CANCER, FAMILIAL; hereditary breast carcinoma. Identifiers: Orphanet 227535, MedGen C0346153, MONDO:0016419, OMIM 114480. Disease mechanism: loss of function.

Allele frequency attached by ClinVar (database versions not stated): gnomAD exomes below 0.00001.

Submission:

Myriad Genetics, Inc.
Classification: Likely pathogenic for Familial cancer of breast. Last evaluated: 2023-06-26. Review status: criteria provided, single submitter. Criteria: Myriad Autosomal Dominant, Autosomal Recessive and X-Linked Classification Criteria (2023). Collection method: clinical testing. Allele origin: unknown.
Comment: This variant is considered likely pathogenic. This variant occurs within a consensus splice junction and is predicted to result in abnormal mRNA splicing of either an out-of-frame exon or an in-frame exon necessary for protein stability and/or normal function.

NM_007194.4(CHEK2):c.592+1G>T

Gene: CHEK2 (checkpoint kinase 2; minus strand). Cytogenetic location: 22q12.1.
Variant type: single nucleotide variant.
Coding change: c.592+1G>T on transcript NM_007194.4 (MANE Select); the canonical splice donor site of the intron after coding-DNA position 592, G replaced by T.
Molecular consequence: splice donor variant. On other transcripts: intron variant (1).
Genome position (GRCh38, 1-based): chr22:28,724,976, C>A on the plus strand (G>T on the coding strand, the complement: CHEK2 is on the minus strand). VCF-style: chr22-28724976-C-A. GRCh37 (hg19) VCF-style: chr22-29120964-C-A.
Other names: c.-72+1G>T (NM_001437942.1); c.445-53G>T (NM_001349956.3); c.592+1G>T (NM_145862.3); c.-186+1G>T (NM_001257387.3); c.685+1G>T (NM_001438295.1, NM_001438293.1); c.721+1G>T (NM_001438294.1, NM_001005735.3).
Identifiers: ClinVar variation 2583230 (VCV002583230.2), dbSNP rs1601822722, ClinGen allele CA411106883.